The following is an entry in ClinVar:

ClinVar aggregate classification (germline): Uncertain significance (1 of 4 stars; one submission).

Conditions:
Hypertrophic cardiomyopathy 26. Also called: Cardiomyopathy, familial hypertrophic, 26. Identifiers: Orphanet 75249, MedGen C4310749, MONDO:0014883, OMIM 617047.
Myofibrillar myopathy 5. Also called: Filaminopathy (type); FILAMINOPATHY, AUTOSOMAL DOMINANT. Identifiers: Orphanet 171445, MedGen C1836050, MONDO:0012289, OMIM 609524.
Distal myopathy with posterior leg and anterior hand involvement. Also called: WILLIAMS DISTAL MYOPATHY. Identifiers: Orphanet 63273, MedGen C3279722, MONDO:0013550, OMIM 614065.

Submission:

Labcorp Genetics (formerly Invitae), Labcorp
Classification: Uncertain significance for Distal myopathy with posterior leg and anterior hand involvement; Myofibrillar myopathy 5; Hypertrophic cardiomyopathy 26. Last evaluated: 2024-05-31. Review status: criteria provided, single submitter. Criteria: Invitae Variant Classification Sherloc (09022015). Collection method: clinical testing. Allele origin: germline.
Comment: This sequence change replaces serine, which is neutral and polar, with arginine, which is basic and polar, at codon 65 of the FLNC protein (p.Ser65Arg). This variant is not present in population databases (gnomAD no frequency). This variant has not been reported in the literature in individuals affected with FLNC-related conditions. Advanced modeling of protein sequence and biophysical properties (such as structural, functional, and spatial information, amino acid conservation, physicochemical variation, residue mobility, and thermodynamic stability) has been performed at Invitae for this missense variant, however the output from this modeling did not meet the statistical confidence thresholds required to predict the impact of this variant on FLNC protein function. In summary, the available evidence is currently insufficient to determine the role of this variant in disease. Therefore, it has been classified as a Variant of Uncertain Significance.

NM_001458.5(FLNC):c.195C>A (p.Ser65Arg)

Gene: FLNC (filamin C; plus strand). Cytogenetic location: 7q32.1.
Variant type: single nucleotide variant.
Coding change: c.195C>A on transcript NM_001458.5 (MANE Select); coding-DNA position 195, C replaced by A.
Protein change: p.Ser65Arg; replaces serine 65 with arginine.
Molecular consequence: missense variant.
Genome position (GRCh38, 1-based): chr7:128,830,832, C>A. VCF-style: chr7-128830832-C-A. GRCh37 (hg19) VCF-style: chr7-128470886-C-A.
Other names: c.195C>A, p.Ser65Arg (NM_001127487.2); short protein forms S65R.
Identifiers: ClinVar variation 2930547 (VCV002930547.3), dbSNP rs759158292, ClinGen allele CA369216274.